The following is an entry in ClinVar:

NM_002485.5(NBN):c.559A>G (p.Lys187Glu)

Gene: NBN (nibrin; minus strand). Cytogenetic location: 8q21.3.
Variant type: single nucleotide variant.
Coding change: c.559A>G on transcript NM_002485.5 (MANE Select); coding-DNA position 559, A replaced by G.
Protein change: p.Lys187Glu; replaces lysine 187 with glutamic acid.
Molecular consequence: missense variant.
Genome position (GRCh38, 1-based): chr8:89,978,245, T>C on the plus strand (A>G on the coding strand, the complement: NBN is on the minus strand). VCF-style: chr8-89978245-T-C. GRCh37 (hg19) VCF-style: chr8-90990473-T-C.
Other names: c.313A>G, p.Lys105Glu (NM_001024688.3); short protein forms K105E, K187E.
Identifiers: ClinVar variation 825845 (VCV000825845.7), dbSNP rs1554566633, ClinGen allele CA371660176.

ClinVar aggregate classification (germline): Uncertain significance. Review status: criteria provided, multiple submitters, no conflicts (2 of 4 stars). 2 submissions from 2 submitters: Uncertain significance (2). Last evaluated 2023-07-27.

Conditions:
Hereditary cancer-predisposing syndrome. Also called: Neoplastic Syndromes, Hereditary; Hereditary Cancer Syndrome; Hereditary neoplastic syndrome; Tumor predisposition. Identifiers: Orphanet 140162, MedGen C0027672, MeSH D009386, MONDO:0015356.
Microcephaly, normal intelligence and immunodeficiency (NBS). Also called: Nijmegen breakage syndrome; Microcephaly with normal intelligence immunodeficiency and lymphoreticular malignancies; Nonsyndromal microcephaly autosomal recessive with normal intelligence; Seemanova syndrome 2; Ataxia telangiectasia variant V1; BERLIN BREAKAGE SYNDROME. Identifiers: Orphanet 647, MedGen C0398791, MONDO:0009623, OMIM 251260.

Submissions (2):

Labcorp Genetics (formerly Invitae), Labcorp
Classification: Uncertain significance for Microcephaly, normal intelligence and immunodeficiency. Last evaluated: 2023-07-27. Review status: criteria provided, single submitter. Criteria: Invitae Variant Classification Sherloc (09022015). Collection method: clinical testing. Allele origin: germline.
Comment: This sequence change replaces lysine, which is basic and polar, with glutamic acid, which is acidic and polar, at codon 187 of the NBN protein (p.Lys187Glu). In summary, the available evidence is currently insufficient to determine the role of this variant in disease. Therefore, it has been classified as a Variant of Uncertain Significance. An algorithm developed to predict the effect of missense changes on protein structure and function (PolyPhen-2) suggests that this variant is likely to be tolerated. ClinVar contains an entry for this variant (Variation ID: 825845). This variant has not been reported in the literature in individuals affected with NBN-related conditions. This variant is not present in population databases (gnomAD no frequency).

Ambry Genetics
Classification: Uncertain significance for Hereditary cancer-predisposing syndrome. Last evaluated: 2018-07-19. Review status: criteria provided, single submitter. Criteria: Ambry Variant Classification Scheme 2023. Collection method: clinical testing. Allele origin: germline.
Comment: The p.K187E variant (also known as c.559A>G), located in coding exon 5 of the NBN gene, results from an A to G substitution at nucleotide position 559. The lysine at codon 187 is replaced by glutamic acid, an amino acid with similar properties. This amino acid position is not well conserved in available vertebrate species. In addition, this alteration is predicted to be tolerated by in silico analysis. Since supporting evidence is limited at this time, the clinical significance of this alteration remains unclear.